The following is an entry in ClinVar:

NM_002204.4(ITGA3):c.1802A>G (p.Gln601Arg)

Gene: ITGA3 (integrin subunit alpha 3; plus strand). Cytogenetic location: 17q21.33.
Variant type: single nucleotide variant.
Coding change: c.1802A>G on transcript NM_002204.4 (MANE Select); coding-DNA position 1802, A replaced by G.
Protein change: p.Gln601Arg; replaces glutamine 601 with arginine.
Molecular consequence: missense variant.
Genome position (GRCh38, 1-based): chr17:50,076,453, A>G. VCF-style: chr17-50076453-A-G. GRCh37 (hg19) VCF-style: chr17-48153817-A-G.
Other names: short protein forms Q601R.
Identifiers: ClinVar variation 1311807 (VCV001311807.2), dbSNP rs779375369, ClinGen allele CA8641677.

ClinVar aggregate classification (germline): Uncertain significance (1 of 4 stars; one submission).

Allele frequency attached by ClinVar (database versions not stated): gnomAD exomes below 0.00001; ExAC 0.00001.
gnomAD v4.1: 4 of 1,609,742 alleles (0.00025%); highest among the groups gnomAD compares: South Asian, 0.0011%; no homozygotes.

Submission:

GeneDx
Classification: Uncertain significance. Last evaluated: 2020-01-02. Review status: criteria provided, single submitter. Criteria: GeneDx Variant Classification Process June 2021. Collection method: clinical testing. Allele origin: germline. Affected: yes.
Comment: Not observed at a significant frequency in large population cohorts (Lek et al., 2016); In silico analysis, which includes protein predictors and evolutionary conservation, supports a deleterious effect; Has not been previously published as pathogenic or benign to our knowledge